The following is an entry in ClinVar:

ClinVar aggregate classification (germline): Benign/Likely benign. Review status: criteria provided, multiple submitters, no conflicts (2 of 4 stars). 2 submissions from 2 submitters: Benign (1); Likely benign (1). Last evaluated 2025-12-16.

Conditions:
Spastic paraplegia. Identifiers: MedGen C0037772, HP:0001258.

Allele frequency attached by ClinVar (database versions not stated): ExAC 0.00001; gnomAD exomes 0.00003; TOPMed 0.00005; gnomAD 0.00008 and 0.00009.
gnomAD v4.1: 140 of 1,210,590 alleles (0.012%); highest among the groups gnomAD compares: Non-Finnish European, 0.015%; no homozygotes.

Submissions (2):

Labcorp Genetics (formerly Invitae), Labcorp
Classification: Benign for Spastic paraplegia. Last evaluated: 2025-12-16. Review status: criteria provided, single submitter. Criteria: Invitae Variant Classification Sherloc (09022015). Collection method: clinical testing. Allele origin: germline.

CeGaT Center for Human Genetics Tuebingen
Classification: Likely benign. Last evaluated: 2024-01-01. Review status: criteria provided, single submitter. Criteria: CeGaT Center For Human Genetics Tuebingen Variant Classification Criteria Version 2. Collection method: clinical testing. Allele origin: germline. Affected: yes. Observed: 1 variant allele.
Comment: L1CAM: BP4, BP7, BS2

NM_001278116.2(L1CAM):c.3735G>A (p.Gly1245=)

Gene: L1CAM (L1 cell adhesion molecule; minus strand). Cytogenetic location: Xq28.
Variant type: single nucleotide variant.
Coding change: c.3735G>A on transcript NM_001278116.2 (MANE Select); coding-DNA position 3735, G replaced by A.
Protein change: p.Gly1245=; no amino-acid change (glycine 1245 retained).
Molecular consequence: synonymous variant.
Genome position (GRCh38, 1-based): chrX:153,862,702, C>T on the plus strand (G>A on the coding strand, the complement: L1CAM is on the minus strand). VCF-style: chrX-153862702-C-T. GRCh37 (hg19) VCF-style: chrX-153128157-C-T.
Other names: c.3735G>A, p.Gly1245= (NM_000425.5); c.3708G>A, p.Gly1236= (NM_001143963.2); c.3723G>A, p.Gly1241= (NM_024003.3).
Identifiers: ClinVar variation 698291 (VCV000698291.31), dbSNP rs200206375, ClinGen allele CA10553881.